The following is an entry in ClinVar:

ClinVar aggregate classification (germline): Pathogenic/Likely pathogenic. Review status: criteria provided, multiple submitters, no conflicts (2 of 4 stars). 3 submissions from 3 submitters: Pathogenic (2); Likely pathogenic (1). Last evaluated 2025-03-20.

Conditions:
COL4A5-related disorder. Also called: COL4A5-related condition.
X-linked Alport syndrome (ATS1). Also called: NEPHROPATHY AND DEAFNESS, X-LINKED; COL4A5-Related Nephropathy. Identifiers: Orphanet 63, Orphanet 88917, MedGen C4746986, MONDO:0010520, OMIM 301050.

Submissions (3):

PreventionGenetics, part of Exact Sciences
Classification: Likely pathogenic for COL4A5-related condition. Last evaluated: 2025-03-20. Review status: criteria provided, single submitter. Criteria: ACMG Guidelines, 2015. Collection method: clinical testing. Allele origin: germline.
Comment: The COL4A5 c.574G>T variant is predicted to result in the amino acid substitution p.Gly192Trp. To our knowledge, this variant has not been reported in the literature. A different amino acid substitution at this position (p.Gly192Arg) has been reported in an individual with Alport syndrome (Kindred 2301, Barker et al. 2001. PubMed ID: 11223851). The p.Gly192 residue is located in the triple-helical region (residues 42 – 1456) of the COL4A5 protein. The majority of pathogenic variants in COL4A5 substitute a glycine residue to a bulkier amino acid in the triple-helical domain (Hudson et al. 1993. PubMed ID: 8253711). This variant has not been reported in a large population database (gnomAD), indicating this variant is rare. This variant is interpreted as likely pathogenic.

Fulgent Genetics
Classification: Pathogenic for X-linked Alport syndrome. Last evaluated: 2021-11-06. Review status: criteria provided, single submitter. Criteria: ACMG Guidelines, 2015. Collection method: clinical testing. Allele origin: unknown.

GeneDx
Classification: Pathogenic. Last evaluated: 2020-06-05. Review status: criteria provided, single submitter. Criteria: GeneDx Variant Classification Process June 2021. Collection method: clinical testing. Allele origin: germline. Affected: yes.
Comment: Affects a glycine residue in a Gly-X-Y motif in the triple helical region of the COL4A5 gene, where the majority of pathogenic missense variants occur, and is predicted to disrupt normal protein folding and function (Stenson et al., 2014; Jais et al., 2000); Not observed in large population cohorts (Lek et al., 2016); In silico analysis supports that this missense variant has a deleterious effect on protein structure/function; Has not been previously published as pathogenic or benign to our knowledge

NM_033380.3(COL4A5):c.574G>T (p.Gly192Trp)

Gene: COL4A5 (collagen type IV alpha 5 chain; plus strand). Cytogenetic location: Xq22.3.
Variant type: single nucleotide variant.
Coding change: c.574G>T on transcript NM_033380.3 (MANE Select); coding-DNA position 574, G replaced by T.
Protein change: p.Gly192Trp; replaces glycine 192 with tryptophan.
Molecular consequence: missense variant.
Genome position (GRCh38, 1-based): chrX:108,575,937, G>T. VCF-style: chrX-108575937-G-T. GRCh37 (hg19) VCF-style: chrX-107819167-G-T.
Other names: c.574G>T (NM_000495.4); c.574G>T, p.Gly192Trp (NM_000495.5); short protein forms G192W.
Identifiers: ClinVar variation 452664 (VCV000452664.5), dbSNP rs104886060, ClinGen allele CA413922187.